The following is an entry in ClinVar:

NM_005356.5(LCK):c.1042-1G>T

Gene: LCK (LCK proto-oncogene, Src family tyrosine kinase; plus strand). Cytogenetic location: 1p35.2.
Variant type: single nucleotide variant.
Coding change: c.1042-1G>T on transcript NM_005356.5 (MANE Select); the canonical splice acceptor site of the intron before coding-DNA position 1042, G replaced by T.
Molecular consequence: splice acceptor variant.
Genome position (GRCh38, 1-based): chr1:32,279,840, G>T. VCF-style: chr1-32279840-G-T. GRCh37 (hg19) VCF-style: chr1-32745441-G-T.
Other names: c.1216-1G>T (NM_001439146.1); c.889-1G>T (NM_001330468.2); c.1042-1G>T (NM_001042771.3).
Identifiers: ClinVar variation 4735122 (VCV004735122.1).

ClinVar aggregate classification (germline): Likely pathogenic (1 of 4 stars; one submission).

Conditions:
Severe combined immunodeficiency due to LCK deficiency. Also called: Immunodeficiency 22. Identifiers: Orphanet 280142, MedGen C4014233, MONDO:0014334, OMIM 615758.

Submission:

Labcorp Genetics (formerly Invitae), Labcorp
Classification: Likely pathogenic for Severe combined immunodeficiency due to LCK deficiency. Last evaluated: 2026-01-11. Review status: criteria provided, single submitter. Criteria: Invitae Variant Classification Sherloc (09022015). Collection method: clinical testing. Allele origin: germline.
Comment: This sequence change affects an acceptor splice site in intron 10 of the LCK gene. It is expected to disrupt RNA splicing. Variants that disrupt the donor or acceptor splice site typically lead to a loss of protein function (PMID: 16199547), and loss-of-function variants in LCK are known to be pathogenic (PMID: 22985903, 27087313). This variant is not present in population databases (gnomAD no frequency). This variant has not been reported in the literature in individuals affected with LCK-related conditions. Algorithms developed to predict the effect of sequence changes on RNA splicing suggest that this variant may disrupt the consensus splice site. In summary, the currently available evidence indicates that the variant is pathogenic, but additional data are needed to prove that conclusively. Therefore, this variant has been classified as Likely Pathogenic.

Literature cited by the submitters: PubMed 16199547; PubMed 22985903; PubMed 27087313.